The following is an entry in ClinVar:

NM_020791.4(TAOK1):c.2593C>T (p.Arg865Ter)

Gene: TAOK1 (TAO kinase 1; plus strand). Cytogenetic location: 17q11.2.
Variant type: single nucleotide variant.
Coding change: c.2593C>T on transcript NM_020791.4 (MANE Select); coding-DNA position 2593, C replaced by T.
Protein change: p.Arg865Ter; replaces arginine 865 with a stop codon.
Molecular consequence: nonsense.
Genome position (GRCh38, 1-based): chr17:29,542,609, C>T. VCF-style: chr17-29542609-C-T. GRCh37 (hg19) VCF-style: chr17-27869627-C-T.
Other names: c.2149C>T, p.Arg717Ter (NM_025142.1); short protein forms R717*, R865*.
Identifiers: ClinVar variation 3370703 (VCV003370703.1).

ClinVar aggregate classification (germline): Uncertain significance (1 of 4 stars; one submission).

Submission:

GeneDx
Classification: Uncertain significance. Last evaluated: 2024-03-11. Review status: criteria provided, single submitter. Criteria: GeneDx Variant Classification Process June 2021. Collection method: clinical testing. Allele origin: germline. Affected: yes.
Comment: Not observed at significant frequency in large population cohorts (gnomAD); Nonsense variant predicted to result in protein truncation as the last 137 amino acids are lost, although loss-of-function variants have not been reported downstream of this position in the protein; Has not been previously published as pathogenic or benign to our knowledge